The following is an entry in ClinVar:

ClinVar aggregate classification (germline): Benign (1 of 4 stars; one submission).

Conditions:
Familial adenomatous polyposis 1 (FAP1). Also called: POLYPOSIS, ADENOMATOUS INTESTINAL; FAMILIAL ADENOMATOUS POLYPOSIS 1, ATTENUATED. Identifiers: MedGen C2713442, MONDO:0021056, OMIM 175100. Disease mechanism: loss of function.

Submission:

Myriad Genetics, Inc.
Classification: Benign for Familial adenomatous polyposis 1. Last evaluated: 2024-03-22. Review status: criteria provided, single submitter. Criteria: Myriad Autosomal Dominant, Autosomal Recessive and X-Linked Classification Criteria (2023). Collection method: clinical testing. Allele origin: unknown.
Comment: This variant is considered benign. This variant is a silent/synonymous amino acid change and it is not expected to impact splicing.

NM_000038.6(APC):c.3888A>C (p.Ala1296=)

Gene: APC (APC regulator of Wnt signaling pathway; plus strand). Cytogenetic location: 5q22.2.
Variant type: single nucleotide variant.
Coding change: c.3888A>C on transcript NM_000038.6 (MANE Select); coding-DNA position 3888, A replaced by C.
Protein change: p.Ala1296=; no amino-acid change (alanine 1296 retained).
Molecular consequence: synonymous variant. On other transcripts: non-coding transcript variant (2).
Genome position (GRCh38, 1-based): chr5:112,839,482, A>C. VCF-style: chr5-112839482-A-C. GRCh37 (hg19) VCF-style: chr5-112175179-A-C.
Other names: c.3888A>C, p.Ala1296= (NM_001127510.3, NM_001354895.2, NM_001407450.1); c.3834A>C, p.Ala1278= (NM_001127511.3); c.3942A>C, p.Ala1314= (NM_001354896.2, NM_001407447.1, NM_001407448.1 and 1 more transcripts); c.3918A>C, p.Ala1306= (NM_001354897.2); c.3813A>C, p.Ala1271= (NM_001354898.2); c.3804A>C, p.Ala1268= (NM_001354899.2); c.3765A>C, p.Ala1255= (NM_001354900.2); c.3711A>C, p.Ala1237= (NM_001354901.2, NM_001407453.1); and 11 more.
Identifiers: ClinVar variation 3148238 (VCV003148238.1), dbSNP rs2149901314, ClinGen allele CA445963805.